The following is an entry in ClinVar:

ClinVar aggregate classification (germline): Pathogenic (1 of 4 stars; one submission).

gnomAD v4.1: 9 of 1,613,948 alleles (0.00056%); highest among the groups gnomAD compares: Non-Finnish European, 0.000085%; no homozygotes.

Submission:

Labcorp Genetics (formerly Invitae), Labcorp
Classification: Pathogenic. Last evaluated: 2025-12-22. Review status: criteria provided, single submitter. Criteria: Invitae Variant Classification Sherloc (09022015). Collection method: clinical testing. Allele origin: germline.
Comment: This sequence change creates a premature translational stop signal (p.Arg638*) in the ANO6 gene. It is expected to result in an absent or disrupted protein product. Loss-of-function variants in ANO6 are known to be pathogenic (PMID: 21107324, 21511967, 27879994). This variant is present in population databases (rs769466283, gnomAD 0.02%). This variant has not been reported in the literature in individuals affected with ANO6-related conditions. For these reasons, this variant has been classified as Pathogenic.

Literature cited by the submitters: PubMed 21107324; PubMed 21511967; PubMed 27879994.

NM_001025356.3(ANO6):c.1912A>T (p.Arg638Ter)

Gene: ANO6 (anoctamin 6; plus strand). Cytogenetic location: 12q12.
Variant type: single nucleotide variant.
Coding change: c.1912A>T on transcript NM_001025356.3 (MANE Select); coding-DNA position 1912, A replaced by T.
Protein change: p.Arg638Ter; replaces arginine 638 with a stop codon.
Molecular consequence: nonsense.
Genome position (GRCh38, 1-based): chr12:45,409,388, A>T. VCF-style: chr12-45409388-A-T. GRCh37 (hg19) VCF-style: chr12-45803171-A-T.
Other names: c.1858A>T, p.Arg620Ter (NM_001142678.2); c.1912A>T, p.Arg638Ter (NM_001142679.2); c.1975A>T, p.Arg659Ter (NM_001204803.2); short protein forms R638*, R620*, R659*.
Identifiers: ClinVar variation 4748315 (VCV004748315.1), dbSNP rs769466283.
Genomic context (GRCh38, chr12:45,409,388, plus strand): 5'-TCTAATTTATAAATTGTTCTTTTTGGCAGCTGGATCATGAATCTAATTGGGCGATTTCAC[A>T]GAGTTTCTGGATCAGAAAAGATAACCCCACGATGGGAACAGGACTACCATCTGCAGCCTA-3'